The following is an entry in ClinVar:

ClinVar aggregate classification (germline): Benign (0 of 4 stars; one submission).

Conditions:
DIP2A-related disorder. Also called: DIP2A-related condition.

Allele frequency attached by ClinVar (database versions not stated): gnomAD exomes 0.71258; ExAC 0.72475; 1000 Genomes Project 0.74341; 1000 Genomes Project 30x 0.74625; gnomAD 0.74682; TOPMed 0.75556; ESP Exome Variant Server 0.77230.
gnomAD v4.1: 1,153,449 of 1,611,488 alleles (72%); highest among the groups gnomAD compares: African/African-American, 87%; 414,457 homozygotes.

Submission:

PreventionGenetics, part of Exact Sciences
Classification: Benign for DIP2A-related condition. Last evaluated: 2019-10-17. Review status: no assertion criteria provided. Collection method: clinical testing. Allele origin: germline.
Comment: This variant is classified as benign based on ACMG/AMP sequence variant interpretation guidelines (Richards et al. 2015 PMID: 25741868, with internal and published modifications).

NM_015151.4(DIP2A):c.2840-8G>A

Gene: DIP2A (disco interacting protein 2 homolog A; plus strand). Cytogenetic location: 21q22.3.
Variant type: single nucleotide variant.
Coding change: c.2840-8G>A on transcript NM_015151.4 (MANE Select); 8 bases into the intron before coding-DNA position 2840, G replaced by A.
Molecular consequence: intron variant.
Genome position (GRCh38, 1-based): chr21:46,551,626, G>A. VCF-style: chr21-46551626-G-A. GRCh37 (hg19) VCF-style: chr21-47971539-G-A.
Other names: c.2840-8G>A (NM_001353943.2, NM_001410751.1); c.2843-8G>A (NM_001353942.2); c.2828-8G>A (NM_001146116.2).
Identifiers: ClinVar variation 3060466 (VCV003060466.2), dbSNP rs2255526, ClinGen allele CA10082566.